The following is an entry in ClinVar:

NM_198407.2(GHSR):c.686C>T (p.Thr229Met)

Gene: GHSR (growth hormone secretagogue receptor; minus strand). Cytogenetic location: 3q26.31.
Variant type: single nucleotide variant.
Coding change: c.686C>T on transcript NM_198407.2 (MANE Select); coding-DNA position 686, C replaced by T.
Protein change: p.Thr229Met; replaces threonine 229 with methionine.
Molecular consequence: missense variant.
Genome position (GRCh38, 1-based): chr3:172,447,728, G>A on the plus strand (C>T on the coding strand, the complement: GHSR is on the minus strand). VCF-style: chr3-172447728-G-A. GRCh37 (hg19) VCF-style: chr3-172165518-G-A.
Other names: c.686C>T, p.Thr229Met (NM_004122.2); short protein forms T229M.
Identifiers: ClinVar variation 3099748 (VCV003099748.3), dbSNP rs200804910, ClinGen allele CA2706424.

ClinVar aggregate classification (germline): Uncertain significance. Review status: criteria provided, multiple submitters, no conflicts (2 of 4 stars). 2 submissions from 2 submitters: Uncertain significance (2). Last evaluated 2024-11-15.

Conditions:
Inborn genetic diseases. Identifiers: MedGen C0950123, MeSH D030342.

Allele frequency attached by ClinVar (database versions not stated): TOPMed 0.00004; gnomAD 0.00005; gnomAD exomes 0.00011.

Submissions (2):

Labcorp Genetics (formerly Invitae), Labcorp
Classification: Uncertain significance. Last evaluated: 2024-11-15. Review status: criteria provided, single submitter. Criteria: Invitae Variant Classification Sherloc (09022015). Collection method: clinical testing. Allele origin: germline.
Comment: This sequence change replaces threonine, which is neutral and polar, with methionine, which is neutral and non-polar, at codon 229 of the GHSR protein (p.Thr229Met). This variant is present in population databases (rs200804910, gnomAD 0.01%). This variant has not been reported in the literature in individuals affected with GHSR-related conditions. ClinVar contains an entry for this variant (Variation ID: 3099748). Invitae Evidence Modeling of protein sequence and biophysical properties (such as structural, functional, and spatial information, amino acid conservation, physicochemical variation, residue mobility, and thermodynamic stability) indicates that this missense variant is not expected to disrupt GHSR protein function with a negative predictive value of 80%. In summary, the available evidence is currently insufficient to determine the role of this variant in disease. Therefore, it has been classified as a Variant of Uncertain Significance.

Ambry Genetics
Classification: Uncertain significance for Inborn genetic diseases. Last evaluated: 2023-09-29. Review status: criteria provided, single submitter. Criteria: Ambry Variant Classification Scheme 2023. Collection method: clinical testing. Allele origin: germline.